The following is an entry in ClinVar:

ClinVar aggregate classification (germline): Uncertain significance (1 of 4 stars; one submission).

gnomAD v4.1: 28 of 1,606,214 alleles (0.0017%); highest among the groups gnomAD compares: Non-Finnish European, 0.0024%; no homozygotes.

Submission:

Labcorp Genetics (formerly Invitae), Labcorp
Classification: Uncertain significance. Last evaluated: 2024-03-27. Review status: criteria provided, single submitter. Criteria: Invitae Variant Classification Sherloc (09022015). Collection method: clinical testing. Allele origin: germline.
Comment: This sequence change replaces lysine, which is basic and polar, with arginine, which is basic and polar, at codon 702 of the FOCAD protein (p.Lys702Arg). This variant is not present in population databases (gnomAD no frequency). This variant has not been reported in the literature in individuals affected with FOCAD-related conditions. Algorithms developed to predict the effect of sequence changes on RNA splicing suggest that this variant may disrupt the consensus splice site. In summary, the available evidence is currently insufficient to determine the role of this variant in disease. Therefore, it has been classified as a Variant of Uncertain Significance.

NM_001375567.1(FOCAD):c.2105A>G (p.Lys702Arg)

Gene: FOCAD (focadhesin; plus strand). Cytogenetic location: 9p21.3.
Variant type: single nucleotide variant.
Coding change: c.2105A>G on transcript NM_001375567.1 (MANE Select); coding-DNA position 2105, A replaced by G.
Protein change: p.Lys702Arg; replaces lysine 702 with arginine.
Molecular consequence: missense variant.
Genome position (GRCh38, 1-based): chr9:20,865,975, A>G. VCF-style: chr9-20865975-A-G. GRCh37 (hg19) VCF-style: chr9-20865974-A-G.
Other names: c.2000A>G, p.Lys667Arg (NM_001375570.1, NM_001375568.1); c.2105A>G, p.Lys702Arg (NM_017794.5); short protein forms K667R, K702R.
Identifiers: ClinVar variation 3621082 (VCV003621082.2).
Genomic context (GRCh38, chr9:20,865,975, plus strand): 5'-TAACTTTTCAGAATTTTAAAGTTCAAGTCCTCAGCTTCCTCTGGACTCATACTCAAAACA[A>G]GGTACTATCACAAGGCTTGTCAGTGAATCAGAACAAAGCTAAGGAAATAATTTTGACATT-3'
Protein context (NP_001362496.1, residues 692-712): LSFLWTHTQN[Lys702Arg]DPIVANAAYR